The following is an entry in ClinVar:

NM_001276343.3(AGAP4):c.1666G>A (p.Glu556Lys)

Gene: AGAP4 (ArfGAP with GTPase domain, ankyrin repeat and PH domain 4; minus strand). Cytogenetic location: 10q11.22.
Variant type: single nucleotide variant.
Coding change: c.1666G>A on transcript NM_001276343.3 (MANE Select); coding-DNA position 1666, G replaced by A.
Protein change: p.Glu556Lys; replaces glutamic acid 556 with lysine.
Molecular consequence: missense variant. On other transcripts: non-coding transcript variant (3), 3 prime UTR variant (1).
Genome position (GRCh38, 1-based): chr10:45,826,310, C>T on the plus strand (G>A on the coding strand, the complement: AGAP4 is on the minus strand). VCF-style: chr10-45826310-C-T. GRCh37 (hg19) VCF-style: chr10-46321758-C-T.
Other names: c.1342G>A, p.Glu448Lys (NM_001291379.2); c.1549G>A, p.Glu517Lys (NM_001393377.1); c.*1119G>A (NM_001393378.1); c.1597G>A, p.Glu533Lys (NM_133446.4); short protein forms E448K, E533K, E517K, E556K.
Identifiers: ClinVar variation 2344282 (VCV002344282.3), dbSNP rs879953237, ClinGen allele CA376614842.

ClinVar aggregate classification (germline): Uncertain significance (1 of 4 stars; one submission).

Submission:

Ambry Genetics
Classification: Uncertain significance. Last evaluated: 2026-03-12. Review status: criteria provided, single submitter. Criteria: Ambry Variant Classification Scheme 2023. Collection method: clinical testing. Allele origin: germline.
Comment: The c.1597G>A (p.E533K) alteration is located in exon 7 (coding exon 7) of the AGAP4 gene. This alteration results from a G to A substitution at nucleotide position 1597, causing the glutamic acid (E) at amino acid position 533 to be replaced by a lysine (K). Based on data from gnomAD, the A allele has an overall frequency of 0.005% (3/63874) total alleles studied. The highest observed frequency was 0.046% (1/2186) of Other alleles. Based on insufficient or conflicting evidence, the clinical significance of this alteration remains unclear.